The following is an entry in ClinVar:

NM_000070.3(CAPN3):c.562del (p.Gln188fs)

Gene: CAPN3 (calpain 3; plus strand). Cytogenetic location: 15q15.1.
Variant type: Deletion.
Coding change: c.562del on transcript NM_000070.3 (MANE Select); coding-DNA position 562, one base deleted (C; older notation c.562delC).
Protein change: p.Gln188fs; shifts the reading frame from glutamine 188.
Molecular consequence: frameshift variant.
Genome position (GRCh38, 1-based): chr15:42,387,816, C deleted. VCF-style (leftmost placement, unchanged base first): chr15-42387815-TC-T. GRCh37 (hg19) VCF-style: chr15-42680013-TC-T.
Other names: c.562del, p.Gln188fs (NM_024344.2, NM_173087.2); short protein forms Q188fs.
Identifiers: ClinVar variation 859768 (VCV000859768.15), dbSNP rs1566975090, ClinGen allele CA617604351.

ClinVar aggregate classification (germline): Pathogenic/Likely pathogenic. Review status: criteria provided, multiple submitters, no conflicts (2 of 4 stars). 3 submissions from 3 submitters: Pathogenic (2); Likely pathogenic (1). Last evaluated 2023-11-30.

Conditions:
Autosomal recessive limb-girdle muscular dystrophy type 2A (LGMDR1). Also called: Calpainopathy; Limb-girdle muscular dystrophy, type 2A; LEYDEN-MOEBIUS MUSCULAR DYSTROPHY; MUSCULAR DYSTROPHY, PELVOFEMORAL; Muscular dystrophy, limb-girdle, type 2A, Amish. Identifiers: Orphanet 267, MedGen C1869123, MONDO:0009675, OMIM 253600. Disease mechanism: loss of function.

Allele frequency attached by ClinVar (database versions not stated): gnomAD exomes below 0.00001.

Submissions (3):

Revvity Omics, Revvity
Classification: Likely pathogenic. Last evaluated: 2023-11-30. Review status: criteria provided, single submitter. Criteria: ACMG Guidelines, 2015. Collection method: clinical testing. Allele origin: germline.

Labcorp Genetics (formerly Invitae), Labcorp
Classification: Pathogenic for Autosomal recessive limb-girdle muscular dystrophy type 2A. Last evaluated: 2023-07-10. Review status: criteria provided, single submitter. Criteria: Invitae Variant Classification Sherloc (09022015). Collection method: clinical testing. Allele origin: germline.
Comment: Algorithms developed to predict the effect of sequence changes on RNA splicing suggest that this variant may disrupt the consensus splice site. ClinVar contains an entry for this variant (Variation ID: 859768). This variant has not been reported in the literature in individuals affected with CAPN3-related conditions. This variant is present in population databases (no rsID available, gnomAD no frequency). This sequence change creates a premature translational stop signal (p.Gln188Asnfs*32) in the CAPN3 gene. It is expected to result in an absent or disrupted protein product. Loss-of-function variants in CAPN3 are known to be pathogenic (PMID: 10330340, 15689361). For these reasons, this variant has been classified as Pathogenic.

Laboratory of Medical Genetics, National & Kapodistrian University of Athens
Classification: Pathogenic for Autosomal recessive limb-girdle muscular dystrophy type 2A. Last evaluated: 2022-07-14. Review status: criteria provided, single submitter. Criteria: ACMG Guidelines, 2015. Collection method: clinical testing. Allele origin: germline. Affected: yes.
Comment: PVS1, PM2, PM3, PP5

Literature cited by the submitters: PubMed 10330340 (cited by Labcorp Genetics (formerly Invitae), Labcorp); PubMed 15689361 (cited by Labcorp Genetics (formerly Invitae), Labcorp).